The following is an entry in ClinVar:

ClinVar aggregate classification (germline): Uncertain significance. Review status: criteria provided, multiple submitters, no conflicts (2 of 4 stars). 2 submissions from 2 submitters: Uncertain significance (2). Last evaluated 2025-12-09.

Conditions:
Hereditary cancer-predisposing syndrome. Also called: Neoplastic Syndromes, Hereditary; Hereditary neoplastic syndrome; Tumor predisposition; Hereditary Cancer Syndrome. Identifiers: Orphanet 140162, MedGen C0027672, MeSH D009386, MONDO:0015356.
Familial meningioma. Also called: Meningioma, familial, susceptibility to. Identifiers: Orphanet 263662, MedGen C3551915, MONDO:0011789, OMIM 607174.

Allele frequency attached by ClinVar (database versions not stated): TOPMed below 0.00001; ExAC 0.00001; gnomAD 0.00001.
gnomAD v4.1: 21 of 1,613,844 alleles (0.0013%); highest among the groups gnomAD compares: Middle Eastern, 0.016%; no homozygotes.

Submissions (2):

Labcorp Genetics (formerly Invitae), Labcorp
Classification: Uncertain significance for Familial meningioma. Last evaluated: 2025-12-09. Review status: criteria provided, single submitter. Criteria: Invitae Variant Classification Sherloc (09022015). Collection method: clinical testing. Allele origin: germline.
Comment: This sequence change replaces alanine, which is neutral and non-polar, with threonine, which is neutral and polar, at codon 194 of the SMARCE1 protein (p.Ala194Thr). This variant is present in population databases (rs753397709, gnomAD 0.003%). This variant has not been reported in the literature in individuals affected with SMARCE1-related conditions. ClinVar contains an entry for this variant (Variation ID: 521370). Invitae Evidence Modeling of protein sequence and biophysical properties (such as structural, functional, and spatial information, amino acid conservation, physicochemical variation, residue mobility, and thermodynamic stability) indicates that this missense variant is expected to disrupt SMARCE1 protein function with a positive predictive value of 80%. In summary, the available evidence is currently insufficient to determine the role of this variant in disease. Therefore, it has been classified as a Variant of Uncertain Significance.

Ambry Genetics
Classification: Uncertain significance for Hereditary cancer-predisposing syndrome. Last evaluated: 2025-07-09. Review status: criteria provided, single submitter. Criteria: Ambry Variant Classification Scheme 2023. Collection method: clinical testing. Allele origin: germline.
Comment: The p.A194T variant (also known as c.580G>A), located in coding exon 7 of the SMARCE1 gene, results from a G to A substitution at nucleotide position 580. The alanine at codon 194 is replaced by threonine, an amino acid with similar properties. This variant was detected as heterozygous in individuals with no reported features of Coffin-Siris syndrome (Ambry internal data). This amino acid position is well conserved in available vertebrate species. In addition, the in silico prediction for this alteration is inconclusive. Based on the supporting evidence, the association of this alteration with an increased risk of meningiomas is unknown; however, the association of this alteration with Coffin-Siris syndrome is unlikely.

NM_003079.5(SMARCE1):c.580G>A (p.Ala194Thr)

Gene: SMARCE1 (SWI/SNF related BAF chromatin remodeling complex subunit E1; minus strand). Cytogenetic location: 17q21.2.
Variant type: single nucleotide variant.
Coding change: c.580G>A on transcript NM_003079.5 (MANE Select); coding-DNA position 580, G replaced by A.
Protein change: p.Ala194Thr; replaces alanine 194 with threonine.
Molecular consequence: missense variant.
Genome position (GRCh38, 1-based): chr17:40,632,329, C>T on the plus strand (G>A on the coding strand, the complement: SMARCE1 is on the minus strand). VCF-style: chr17-40632329-C-T. GRCh37 (hg19) VCF-style: chr17-38788581-C-T.
Other names: short protein forms A194T.
Identifiers: ClinVar variation 521370 (VCV000521370.16), dbSNP rs753397709, ClinGen allele CA8545209.